The following is an entry in ClinVar:

ClinVar aggregate classification (germline): Uncertain significance (1 of 4 stars; one submission).

gnomAD v4.1: 3 of 1,553,716 alleles (0.00019%); highest among the groups gnomAD compares: Admixed American, 0.0058%; no homozygotes.

Submission:

GeneDx
Classification: Uncertain significance. Last evaluated: 2023-06-23. Review status: criteria provided, single submitter. Criteria: GeneDx Variant Classification Process June 2021. Collection method: clinical testing. Allele origin: germline. Affected: yes.
Comment: Not observed at significant frequency in large population cohorts (gnomAD); In silico analysis supports that this missense variant does not alter protein structure/function; Has not been previously published as pathogenic or benign to our knowledge

NM_033004.4(NLRP1):c.263A>G (p.Glu88Gly)

Gene: NLRP1 (NLR family pyrin domain containing 1; minus strand). Cytogenetic location: 17p13.2.
Variant type: single nucleotide variant.
Coding change: c.263A>G on transcript NM_033004.4 (MANE Select); coding-DNA position 263, A replaced by G.
Protein change: p.Glu88Gly; replaces glutamic acid 88 with glycine.
Molecular consequence: missense variant.
Genome position (GRCh38, 1-based): chr17:5,583,695, T>C on the plus strand (A>G on the coding strand, the complement: NLRP1 is on the minus strand). VCF-style: chr17-5583695-T-C. GRCh37 (hg19) VCF-style: chr17-5487015-T-C.
Other names: c.263A>G, p.Glu88Gly (NM_001033053.3, NM_014922.5, NM_033006.4 and 1 more transcripts); short protein forms E88G.
Identifiers: ClinVar variation 3360336 (VCV003360336.1).